The following is an entry in ClinVar:

NM_003151.4(STAT4):c.654A>G (p.Gln218=)

Gene: STAT4 (signal transducer and activator of transcription 4; minus strand). Cytogenetic location: 2q32.2.
Variant type: single nucleotide variant.
Coding change: c.654A>G on transcript NM_003151.4 (MANE Select); coding-DNA position 654, A replaced by G.
Protein change: p.Gln218=; no amino-acid change (glutamine 218 retained).
Molecular consequence: synonymous variant.
Genome position (GRCh38, 1-based): chr2:191,064,935, T>C on the plus strand (A>G on the coding strand, the complement: STAT4 is on the minus strand). VCF-style: chr2-191064935-T-C. GRCh37 (hg19) VCF-style: chr2-191929661-T-C.
Other names: c.654A>G, p.Gln218= (NM_001243835.2); c.654A>G (NM_003151.3).
Identifiers: ClinVar variation 1447991 (VCV001447991.10), dbSNP rs139598810, ClinGen allele CA2030819.

ClinVar aggregate classification (germline): Likely benign. Review status: criteria provided, single submitter (1 of 4 stars). 2 submissions from 2 submitters: Likely benign (1). 1 of the submissions does not count toward it. Last evaluated 2025-03-04.

Conditions:
STAT4-related disorder. Also called: STAT4-related condition.

Allele frequency attached by ClinVar (database versions not stated): ExAC 0.00005; gnomAD exomes 0.00005 and 0.00007; gnomAD 0.00011; TOPMed 0.00013; ESP Exome Variant Server 0.00015; 1000 Genomes Project 30x 0.00016; 1000 Genomes Project 0.00020.
gnomAD v4.1: 102 of 1,605,022 alleles (0.0064%); highest among the groups gnomAD compares: Middle Eastern, 0.083%; no homozygotes.

Submissions (2):

Labcorp Genetics (formerly Invitae), Labcorp
Classification: Likely benign. Last evaluated: 2025-03-04. Review status: criteria provided, single submitter. Criteria: Invitae Variant Classification Sherloc (09022015). Collection method: clinical testing. Allele origin: germline.

PreventionGenetics, part of Exact Sciences
Classification: Likely benign for STAT4-related condition. Last evaluated: 2024-02-26. Review status: no assertion criteria provided. Collection method: clinical testing. Allele origin: germline. Not counted in ClinVar's aggregate classification.
Comment: This variant is classified as likely benign based on ACMG/AMP sequence variant interpretation guidelines (Richards et al. 2015 PMID: 25741868, with internal and published modifications).